The following is an entry in ClinVar:

ClinVar aggregate classification (germline): Likely benign (0 of 4 stars; one submission).

Conditions:
INVS-related disorder. Also called: INVS-related condition.

Allele frequency attached by ClinVar (database versions not stated): gnomAD exomes below 0.00001; ExAC 0.00001.

Submission:

PreventionGenetics, part of Exact Sciences
Classification: Likely benign for INVS-related condition. Last evaluated: 2023-08-18. Review status: no assertion criteria provided. Collection method: clinical testing. Allele origin: germline.
Comment: This variant is classified as likely benign based on ACMG/AMP sequence variant interpretation guidelines (Richards et al. 2015 PMID: 25741868, with internal and published modifications).

NM_014425.5(INVS):c.504C>T (p.Leu168=)

Gene: INVS (inversin; plus strand). Cytogenetic location: 9q31.1.
Variant type: single nucleotide variant.
Coding change: c.504C>T on transcript NM_014425.5 (MANE Select); coding-DNA position 504, C replaced by T.
Protein change: p.Leu168=; no amino-acid change (leucine 168 retained).
Molecular consequence: synonymous variant. On other transcripts: 5 prime UTR variant (1), non-coding transcript variant (1).
Genome position (GRCh38, 1-based): chr9:100,229,716, C>T. VCF-style: chr9-100229716-C-T. GRCh37 (hg19) VCF-style: chr9-102991998-C-T.
Other names: c.216C>T, p.Leu72= (NM_001318381.2); c.-486C>T (NM_001318382.2).
Identifiers: ClinVar variation 3047328 (VCV003047328.2), dbSNP rs753226392, ClinGen allele CA5158180.
Genomic context (GRCh38, chr9:100,229,716, plus strand): 5'-GCAGCAAACAGCTCTGCATTGGAGTGCCTACTACAATAACCCTGAGCATGTGAAGCTGCT[C>T]ATCAAGCATGATTCTAACATTGGGATTCCTGATGTTGAAGGCAAGATCCCACTTCACTGG-3'
Protein context (NP_055240.2, residues 158-178): YYNNPEHVKL[Leu168=]IKHDSNIGIP